The following is an entry in ClinVar:

ClinVar aggregate classification (germline): Uncertain significance (1 of 4 stars; one submission).

Conditions:
RYR1-related disorder. Also called: RYR1-related condition; RYR1-related disorders. Identifiers: MedGen CN239331.

Submission:

Labcorp Genetics (formerly Invitae), Labcorp
Classification: Uncertain significance for RYR1-related disorder. Last evaluated: 2022-05-20. Review status: criteria provided, single submitter. Criteria: Invitae Variant Classification Sherloc (09022015). Collection method: clinical testing. Allele origin: germline.
Comment: In summary, the available evidence is currently insufficient to determine the role of this variant in disease. Therefore, it has been classified as a Variant of Uncertain Significance. Algorithms developed to predict the effect of missense changes on protein structure and function are either unavailable or do not agree on the potential impact of this missense change (SIFT: "Deleterious"; PolyPhen-2: "Benign"; Align-GVGD: "Class C0"). This sequence change replaces glutamic acid, which is acidic and polar, with glutamine, which is neutral and polar, at codon 2449 of the RYR1 protein (p.Glu2449Gln). This variant is not present in population databases (gnomAD no frequency). This variant has not been reported in the literature in individuals affected with RYR1-related conditions.

NM_000540.3(RYR1):c.7345G>C (p.Glu2449Gln)

Gene: RYR1 (ryanodine receptor 1; plus strand). Cytogenetic location: 19q13.2.
Variant type: single nucleotide variant.
Coding change: c.7345G>C on transcript NM_000540.3 (MANE Select); coding-DNA position 7345, G replaced by C.
Protein change: p.Glu2449Gln; replaces glutamic acid 2449 with glutamine.
Molecular consequence: missense variant.
Genome position (GRCh38, 1-based): chr19:38,500,627, G>C. VCF-style: chr19-38500627-G-C. GRCh37 (hg19) VCF-style: chr19-38991267-G-C.
Other names: c.7345G>C, p.Glu2449Gln (NM_001042723.2); short protein forms E2449Q.
Identifiers: ClinVar variation 1401356 (VCV001401356.8), dbSNP rs1188413933, ClinGen allele CA405669919.